The following is an entry in ClinVar:

NM_006267.5(RANBP2):c.1360C>T (p.Arg454Ter)

Gene: RANBP2 (RAN binding protein 2; plus strand). Cytogenetic location: 2q13.
Variant type: single nucleotide variant.
Coding change: c.1360C>T on transcript NM_006267.5 (MANE Select); coding-DNA position 1360, C replaced by T.
Protein change: p.Arg454Ter; replaces arginine 454 with a stop codon.
Molecular consequence: nonsense.
Genome position (GRCh38, 1-based): chr2:108,751,350, C>T. VCF-style: chr2-108751350-C-T. GRCh37 (hg19) VCF-style: chr2-109367806-C-T.
Other names: short protein forms R454*.
Identifiers: ClinVar variation 1021814 (VCV001021814.5), dbSNP rs755089446, ClinGen allele CA348048710.

ClinVar aggregate classification (germline): Uncertain significance (1 of 4 stars; one submission).

Conditions:
Familial acute necrotizing encephalopathy (IIAE3). Also called: ENCEPHALOPATHY, ACUTE, INFECTION-INDUCED, SUSCEPTIBILITY TO, 3; Susceptibility to Acute Necrotizing Encephalopathy 1. Identifiers: Orphanet 88619, MedGen C2675556, MONDO:0011953, OMIM 608033.

Submission:

Labcorp Genetics (formerly Invitae), Labcorp
Classification: Uncertain significance for Familial acute necrotizing encephalopathy. Last evaluated: 2020-10-14. Review status: criteria provided, single submitter. Criteria: Invitae Variant Classification Sherloc (09022015). Collection method: clinical testing. Allele origin: germline.
Comment: The current clinical and genetic evidence is not sufficient to establish whether loss-of-function variants in RANBP2 cause disease. In summary, the available evidence is currently insufficient to determine the role of this variant in disease. Therefore, it has been classified as a Variant of Uncertain Significance. This variant has not been reported in the literature in individuals with RANBP2-related conditions. This sequence change creates a premature translational stop signal (p.Arg454*) in the RANBP2 gene. It is expected to result in an absent or disrupted protein product. This variant is not present in population databases (ExAC no frequency).